The following is an entry in ClinVar:

ClinVar aggregate classification (germline): Likely benign (1 of 4 stars; one submission).

Conditions:
RHO-related disorder. Also called: RHO-related condition.

gnomAD v4.1: 25 of 1,614,162 alleles (0.0015%); highest among the groups gnomAD compares: Non-Finnish European, 0.0019%; no homozygotes.

Submission:

PreventionGenetics, part of Exact Sciences
Classification: Likely benign for RHO-related condition. Last evaluated: 2026-02-10. Review status: criteria provided, single submitter. Criteria: ACMG Guidelines, 2015. Collection method: clinical testing. Allele origin: germline.
Comment: This variant is classified as likely benign based on ACMG/AMP sequence variant interpretation guidelines (Richards et al. 2015 PMID: 25741868, with internal and published modifications).

NM_000539.3(RHO):c.396C>A (p.Ala132=)

Gene: RHO (rhodopsin; plus strand). Cytogenetic location: 3q22.1.
Variant type: single nucleotide variant.
Coding change: c.396C>A on transcript NM_000539.3 (MANE Select); coding-DNA position 396, C replaced by A.
Protein change: p.Ala132=; no amino-acid change (alanine 132 retained).
Molecular consequence: synonymous variant.
Genome position (GRCh38, 1-based): chr3:129,530,910, C>A. VCF-style: chr3-129530910-C-A. GRCh37 (hg19) VCF-style: chr3-129249753-C-A.
Identifiers: ClinVar variation 4984996 (VCV004984996.1).